The following is an entry in ClinVar:

NM_052947.4(ALPK2):c.1957C>T (p.Pro653Ser)

Gene: ALPK2 (alpha kinase 2; minus strand). Cytogenetic location: 18q21.31.
Variant type: single nucleotide variant.
Coding change: c.1957C>T on transcript NM_052947.4 (MANE Select); coding-DNA position 1957, C replaced by T.
Protein change: p.Pro653Ser; replaces proline 653 with serine.
Molecular consequence: missense variant.
Genome position (GRCh38, 1-based): chr18:58,578,819, G>A on the plus strand (C>T on the coding strand, the complement: ALPK2 is on the minus strand). VCF-style: chr18-58578819-G-A. GRCh37 (hg19) VCF-style: chr18-56246051-G-A.
Other names: short protein forms P653S.
Identifiers: ClinVar variation 1783330 (VCV001783330.3), dbSNP rs2518898390, ClinGen allele CA402559314.
Genomic context (GRCh38, chr18:58,578,819, plus strand): 5'-CACACACACACACGGTTCTTTTTATCTCGTAATTTCTTTAAAAGAAAAGTCTTACCTGAG[G>A]AGGATCACTCCAGTCTGGAACCTGGCTTGTTTCAAATAGAGTATTAACTTGCATGCCTTC-3'
Protein context (NP_443179.3, residues 643-663): TSQVPDWSDP[Pro653Ser]QVQVQETVRE

ClinVar aggregate classification (germline): Uncertain significance (1 of 4 stars; one submission).

Submission:

Ambry Genetics
Classification: Uncertain significance. Last evaluated: 2024-11-19. Review status: criteria provided, single submitter. Criteria: Ambry Variant Classification Scheme 2023. Collection method: clinical testing. Allele origin: germline.
Comment: The p.P653S variant (also known as c.1957C>T), located in coding exon 3 of the ALPK2 gene, results from a C to T substitution at nucleotide position 1957. The proline at codon 653 is replaced by serine, an amino acid with similar properties. This amino acid position is conserved. In addition, this alteration is predicted to be tolerated by in silico analysis. Since supporting evidence is limited at this time, the clinical significance of this alteration remains unclear.